The following is an entry in ClinVar:

NM_000487.6(ARSA):c.1150G>A (p.Glu384Lys)

Gene: ARSA (arylsulfatase A; minus strand). Cytogenetic location: 22q13.33.
Variant type: single nucleotide variant.
Coding change: c.1150G>A on transcript NM_000487.6 (MANE Select); coding-DNA position 1150, G replaced by A.
Protein change: p.Glu384Lys; replaces glutamic acid 384 with lysine.
Molecular consequence: missense variant.
Genome position (GRCh38, 1-based): chr22:50,625,639, C>T on the plus strand (G>A on the coding strand, the complement: ARSA is on the minus strand). VCF-style: chr22-50625639-C-T. GRCh37 (hg19) VCF-style: chr22-51064067-C-T.
Other names: E382K; NP_000478.3:p.(Glu384Lys); c.1150G>A, p.Glu384Lys (NM_001085425.3, NM_001085426.3, NM_001085427.3); c.892G>A, p.Glu298Lys (NM_001085428.3, NM_001362782.2); short protein forms E384K, E298K.
Identifiers: ClinVar variation 3084 (VCV000003084.34), dbSNP rs74315479, ClinGen allele CA115997.
Genomic context (GRCh38, chr22:50,625,639, plus strand): 5'-CCTGGGTGAAGAAGTGAGCCTTGTACTTTCCAGTCCGCACAGCAAAAACCCCACGGACCT[C>T]GTCTGGGTAGGACGGGTAGAAGAAGAGAGACTGCCGAGGGCTCTGGGGGCAGAGTCAGGG-3'
Protein context (NP_000478.3, residues 374-394): SLFFYPSYPD[Glu384Lys]VRGVFAVRTG

ClinVar aggregate classification (germline): Pathogenic/Likely pathogenic. Review status: criteria provided, multiple submitters, no conflicts (2 of 4 stars). 11 submissions from 11 submitters: Pathogenic (5); Likely pathogenic (2). 4 of the submissions do not count toward it. Last evaluated 2026-09-17.

Conditions:
ARYLSULFATASE A PSEUDODEFICIENCY, INTERMEDIATE. Identifiers: MedGen C4017096.
Metachromatic leukodystrophy (MLD). Also called: METACHROMATIC LEUKOENCEPHALOPATHY; Arylsulfatase A Deficiency; ARSA DEFICIENCY; CEREBROSIDE SULFATASE DEFICIENCY; SULFATIDE LIPIDOSIS; Cerebral sclerosis diffuse metachromatic form. Identifiers: Orphanet 512, MedGen C0023522, MONDO:0018868, OMIM 250100.

Allele frequency attached by ClinVar (database versions not stated): ExAC 0.00002; TOPMed 0.00005; 1000 Genomes Project 30x 0.00016; gnomAD 0.00001; gnomAD exomes 0.00001 and 0.00002; 1000 Genomes Project 0.00020.

Submissions (11):

Laboratory of Experimental Gene Therapy of Hereditary Metabolic Diseases, Research Centre for Medical Genetics
Classification: Likely pathogenic for Metachromatic leukodystrophy. Last evaluated: 2026-09-17. Review status: criteria provided, single submitter. Criteria: ARSA MLD Assertion Criteria V2 2026 09 18. Collection method: clinical testing. Allele origin: germline. Inheritance: Autosomal recessive inheritance. Observed: 10 variant alleles, 1 heterozygote, 8 compound heterozygotes, 1 homozygote.
Comment: The previously reported Likely pathogenic classification was reviewed and retained for the accompanying study. External ClinVar record reviewed: VCV000003084.33. Observations from the present referral series were not used to establish pathogenicity.

3billion
Classification: Pathogenic for Metachromatic leukodystrophy. Last evaluated: 2025-05-21. Review status: criteria provided, single submitter. Criteria: ACMG Guidelines, 2015. Collection method: clinical testing. Allele origin: germline. Affected: yes.
Comment: The variant is observed at an extremely low frequency in the gnomAD v4.1.0 dataset (total allele frequency: 0.001%). Predicted Consequence/Location: Missense variant In silico tool predictions suggest damaging effect of the variant on gene or gene product [3Cnet: 0.99 (> 0.75, sensitivity 0.96 and precision 0.92)]. The same nucleotide change resulting in the same amino acid change has been previously reported as pathogenic/likely pathogenic with strong evidence (ClinVar ID: VCV000003084 /PMID: 7906588 /3billion dataset). The variant has been reported to be in trans with a pathogenic variant as either compound heterozygous or homozygous in at least 2 similarly affected unrelated individuals (PMID: 15375602, 19021637, 20339381, 26462614, 7906588). Therefore, this variant is classified as Pathogenic according to the recommendation of ACMG/AMP guideline.

Natera, Inc.
Classification: Pathogenic for Metachromatic leukodystrophy. Last evaluated: 2025-04-18. Review status: criteria provided, single submitter. Criteria: Natera Variant Classification Schema (03/2026). Collection method: clinical testing. Allele origin: germline.
Comment: The c.1150G>A variant in ARSA is a missense variant predicted to cause substitution of glutamic acid to lysine at amino acid 384. This variant is rare in the general population with a frequency below the threshold expected for the associated phenotype(s). This variant has been observed in one or more individuals affected with the associated recessive disease, as either homozygous or compound heterozygous with a second variant (PMID: 19021637, 28762252, 24001781, 32632536). Computational prediction algorithms indicate this variant is likely to affect gene or protein function. Given the available evidence, this variant is classified as Pathogenic.

GeneDx
Classification: Likely pathogenic. Last evaluated: 2024-11-18. Review status: criteria provided, single submitter. Criteria: GeneDx Variant Classification Process June 2021. Collection method: clinical testing. Allele origin: germline. Affected: yes.
Comment: RNA studies demonstrate a damaging effect: skipping of exon 7 (PMID: 15375602); Not observed at significant frequency in large population cohorts (gnomAD); In silico analysis indicates that this missense variant does not alter protein structure/function; This variant is associated with the following publications: (PMID: 7906588, 32632536, 37212343, 31922725, 37480112, 36993451, 15375602, 38564053)

Labcorp Genetics (formerly Invitae), Labcorp
Classification: Pathogenic for Metachromatic leukodystrophy. Last evaluated: 2024-09-16. Review status: criteria provided, single submitter. Criteria: Invitae Variant Classification Sherloc (09022015). Collection method: clinical testing. Allele origin: germline.
Comment: This sequence change replaces glutamic acid, which is acidic and polar, with lysine, which is basic and polar, at codon 384 of the ARSA protein (p.Glu384Lys). RNA analysis indicates that this missense change induces altered splicing and likely disrupts the C-terminus of the protein. This variant is present in population databases (rs74315479, gnomAD 0.007%). This missense change has been observed in individual(s) with metachromatic leukodystrophy (PMID: 7906588, 15375602, 19021637, 20339381, 26462614). In at least one individual the data is consistent with being in trans (on the opposite chromosome) from a pathogenic variant. This variant is also known as c.1144G>A or E382K. ClinVar contains an entry for this variant (Variation ID: 3084). Invitae Evidence Modeling of protein sequence and biophysical properties (such as structural, functional, and spatial information, amino acid conservation, physicochemical variation, residue mobility, and thermodynamic stability) indicates that this missense variant is not expected to disrupt ARSA protein function with a negative predictive value of 95%. Studies have shown that this missense change results in exon 7 skipping and introduces a new termination codon (PMID: 15375602). However the mRNA is not expected to undergo nonsense-mediated decay. For these reasons, this variant has been classified as Pathogenic.

Mendelics
Classification: Pathogenic for Metachromatic leukodystrophy. Last evaluated: 2019-05-28. Review status: criteria provided, single submitter. Criteria: Mendelics Assertion Criteria 2017. Collection method: clinical testing. Allele origin: unknown.

Eurofins Ntd Llc (ga)
Classification: Pathogenic. Last evaluated: 2013-04-18. Review status: criteria provided, single submitter. Criteria: EGL Classification Definitions 2015. Collection method: clinical testing. Allele origin: germline. Observed: 1 variant allele, 1 heterozygote.

Counsyl
Classification: Likely pathogenic for Metachromatic leukodystrophy. Last evaluated: 2017-08-18. Review status: no assertion criteria provided. Collection method: clinical testing. Allele origin: unknown. Not counted in ClinVar's aggregate classification.

OMIM
Classification: Pathogenic for ARYLSULFATASE A PSEUDODEFICIENCY, INTERMEDIATE. Last evaluated: 1994-09-01. Review status: no assertion criteria provided. Collection method: literature only. Allele origin: germline. Not counted in ClinVar's aggregate classification.

Genome Diagnostics Laboratory, Amsterdam University Medical Center
Classification: Likely pathogenic. Review status: no assertion criteria provided. Collection method: clinical testing. Allele origin: germline. Affected: yes. Study: VKGL Data-share Consensus. Not counted in ClinVar's aggregate classification.

Genome Diagnostics Laboratory, University Medical Center Utrecht
Classification: Pathogenic. Review status: no assertion criteria provided. Collection method: clinical testing. Allele origin: germline. Affected: yes. Study: VKGL Data-share Consensus. Not counted in ClinVar's aggregate classification.

Literature cited by the submitters: PubMed 26462614 (cited by 3 submitters); PubMed 15375602 (cited by 4 submitters); PubMed 20339381 (cited by 3billion and Labcorp Genetics (formerly Invitae), Labcorp); PubMed 7906588 (cited by 4 submitters); PubMed 19021637 (cited by 4 submitters); PubMed 28762252 (cited by Natera, Inc.); PubMed 24001781 (cited by Natera, Inc. and Counsyl); PubMed 32632536 (cited by Natera, Inc.); PubMed 7866401 (cited by Counsyl); PubMed 27261095 (cited by Counsyl); PubMed 7815433 (cited by OMIM).